The following is an entry in ClinVar:

NM_000260.4(MYO7A):c.1534G>T (p.Glu512Ter)

Gene: MYO7A (myosin VIIA; plus strand). Cytogenetic location: 11q13.5.
Variant type: single nucleotide variant.
Coding change: c.1534G>T on transcript NM_000260.4 (MANE Select); coding-DNA position 1534, G replaced by T.
Protein change: p.Glu512Ter; replaces glutamic acid 512 with a stop codon.
Molecular consequence: nonsense.
Genome position (GRCh38, 1-based): chr11:77,162,310, G>T. VCF-style: chr11-77162310-G-T. GRCh37 (hg19) VCF-style: chr11-76873356-G-T.
Other names: c.1534G>T, p.Glu512Ter (NM_001127180.2); c.1501G>T, p.Glu501Ter (NM_001369365.1); short protein forms E501*, E512*.
Identifiers: ClinVar variation 1726363 (VCV001726363.2), dbSNP rs2496872707, ClinGen allele CA381935780.

ClinVar aggregate classification (germline): Likely pathogenic (1 of 4 stars; one submission).

Conditions:
Usher syndrome type 1 (USH1). Also called: RETINITIS PIGMENTOSA AND CONGENITAL DEAFNESS. Identifiers: Orphanet 231169, Orphanet 886, MedGen C1568247, MONDO:0010168, OMIM 276900.

Submission:

Myriad Genetics, Inc.
Classification: Likely pathogenic for Usher syndrome type 1. Last evaluated: 2021-12-16. Review status: criteria provided, single submitter. Criteria: Myriad Women's Health Autosomal Recessive and X-Linked Classification Criteria (2021). Collection method: clinical testing. Allele origin: unknown.
Comment: NM_000260.3(MYO7A):c.1534G>T(E512*) is expected to be pathogenic in the context of MYO7A-related disorders. This variant is predicted to lead to an abnormal or absent protein product due to the creation of a premature termination codon in MYO7A, a gene where loss-of-function variants are known to be pathogenic. Please note: this variant was assessed in the context of healthy population screening.